The following is an entry in ClinVar:

NM_004304.5(ALK):c.2596T>G (p.Ser866Ala)

Gene: ALK (ALK receptor tyrosine kinase; minus strand). Cytogenetic location: 2p23.2.
Variant type: single nucleotide variant.
Coding change: c.2596T>G on transcript NM_004304.5 (MANE Select); coding-DNA position 2596, T replaced by G.
Protein change: p.Ser866Ala; replaces serine 866 with alanine.
Molecular consequence: missense variant.
Genome position (GRCh38, 1-based): chr2:29,232,340, A>C on the plus strand (T>G on the coding strand, the complement: ALK is on the minus strand). VCF-style: chr2-29232340-A-C. GRCh37 (hg19) VCF-style: chr2-29455206-A-C.
Other names: short protein forms S866A.
Identifiers: ClinVar variation 3223840 (VCV003223840.1), dbSNP rs1553396171, ClinGen allele CA346471637.

ClinVar aggregate classification (germline): Uncertain significance (1 of 4 stars; one submission).

Conditions:
Hereditary cancer-predisposing syndrome. Also called: Tumor predisposition; Hereditary neoplastic syndrome; Hereditary Cancer Syndrome; Neoplastic Syndromes, Hereditary. Identifiers: Orphanet 140162, MedGen C0027672, MeSH D009386, MONDO:0015356.

gnomAD v4.1: 1 of 1,614,224 alleles (0.000062%); highest among the groups gnomAD compares: Non-Finnish European, 0.000085%; no homozygotes.

Submission:

Ambry Genetics
Classification: Uncertain significance for Hereditary cancer-predisposing syndrome. Last evaluated: 2023-09-27. Review status: criteria provided, single submitter. Criteria: Ambry Variant Classification Scheme 2023. Collection method: clinical testing. Allele origin: germline.
Comment: The p.S866A variant (also known as c.2596T>G), located in coding exon 15 of the ALK gene, results from a T to G substitution at nucleotide position 2596. The serine at codon 866 is replaced by alanine, an amino acid with similar properties. This amino acid position is conserved. In addition, this alteration is predicted to be tolerated by in silico analysis. Since supporting evidence is limited at this time, the clinical significance of this alteration remains unclear.